The following is an entry in ClinVar:

ClinVar aggregate classification (germline): Uncertain significance (1 of 4 stars; one submission).

Conditions:
Retinoblastoma (RB1). Also called: RETINOBLASTOMA, SOMATIC. Identifiers: Orphanet 790, MedGen C0035335, MeSH D012175, MONDO:0008380, OMIM 180200, HP:0009919. Disease mechanism: loss of function. Inheritance: Both sporadic and heritable forms are tested..

gnomAD v4.1: 13 of 1,485,328 alleles (0.00088%); highest among the groups gnomAD compares: Non-Finnish European, 0.0012%; no homozygotes.

Submission:

Labcorp Genetics (formerly Invitae), Labcorp
Classification: Uncertain significance for Retinoblastoma. Last evaluated: 2024-11-13. Review status: criteria provided, single submitter. Criteria: Invitae Variant Classification Sherloc (09022015). Collection method: clinical testing. Allele origin: germline.
Comment: This variant occurs in a non-coding region of the RB1 gene. It does not change the encoded amino acid sequence of the RB1 protein. This variant is not present in population databases (gnomAD no frequency). This variant has not been reported in the literature in individuals affected with RB1-related conditions. In summary, the available evidence is currently insufficient to determine the role of this variant in disease. Therefore, it has been classified as a Variant of Uncertain Significance.

NM_000321.3(RB1):c.-84G>A

Gene: RB1 (RB transcriptional corepressor 1; plus strand). Cytogenetic location: 13q14.2.
Variant type: single nucleotide variant.
Coding change: c.-84G>A on transcript NM_000321.3 (MANE Select); 84 bases upstream of the start codon, G replaced by A.
Molecular consequence: 5 prime UTR variant.
Genome position (GRCh38, 1-based): chr13:48,303,829, G>A. VCF-style: chr13-48303829-G-A. GRCh37 (hg19) VCF-style: chr13-48877965-G-A.
Other names: c.-84G>A (NM_001407165.1, NM_001407166.1, NM_001407167.1).
Identifiers: ClinVar variation 3704275 (VCV003704275.2).